The following is an entry in ClinVar:

ClinVar aggregate classification (germline): Uncertain significance (1 of 4 stars; one submission).

gnomAD v4.1: 2 of 1,614,212 alleles (0.00012%); highest among the groups gnomAD compares: Non-Finnish European, 0.00017%; no homozygotes.

Submission:

GeneDx
Classification: Uncertain significance. Last evaluated: 2024-01-30. Review status: criteria provided, single submitter. Criteria: GeneDx Variant Classification Process June 2021. Collection method: clinical testing. Allele origin: germline. Affected: yes.
Comment: Not observed at significant frequency in large population cohorts (gnomAD); In silico analysis supports that this missense variant has a deleterious effect on protein structure/function; Has not been previously published as pathogenic or benign to our knowledge

NM_019842.4(KCNQ5):c.1916T>C (p.Leu639Pro)

Gene: KCNQ5 (potassium voltage-gated channel subfamily Q member 5; plus strand). Cytogenetic location: 6q13.
Variant type: single nucleotide variant.
Coding change: c.1916T>C on transcript NM_019842.4 (MANE Select); coding-DNA position 1916, T replaced by C.
Protein change: p.Leu639Pro; replaces leucine 639 with proline.
Molecular consequence: missense variant.
Genome position (GRCh38, 1-based): chr6:73,194,531, T>C. VCF-style: chr6-73194531-T-C. GRCh37 (hg19) VCF-style: chr6-73904254-T-C.
Other names: c.1889T>C, p.Leu630Pro (NM_001160130.2); c.1946T>C, p.Leu649Pro (NM_001160132.2); c.1973T>C, p.Leu658Pro (NM_001160133.2); c.1586T>C, p.Leu529Pro (NM_001160134.2); short protein forms L529P, L630P, L639P, L649P, L658P.
Identifiers: ClinVar variation 3368618 (VCV003368618.1).
Genomic context (GRCh38, chr6:73,194,531, plus strand): 5'-AGCTGGACTGCCTACTAGACATCTATCAACAGGTCCTTCGGAAAGGCTCTGCCTCAGCCC[T>C]CGCTTTGGCTTCATTCCAGATCCCACCTTTTGAATGTGAACAGACATCTGACTATCAAAG-3'
Protein context (NP_062816.2, residues 629-649): QVLRKGSASA[Leu639Pro]ALASFQIPPF